The following is an entry in ClinVar:

ClinVar aggregate classification (germline): Uncertain significance. Review status: criteria provided, multiple submitters, no conflicts (2 of 4 stars). 3 submissions from 3 submitters: Uncertain significance (3). Last evaluated 2025-02-14.

Conditions:
Tuberous sclerosis 2 (TSC2). Identifiers: Orphanet 805, MedGen C1860707, MONDO:0013199, OMIM 613254.
Hereditary cancer-predisposing syndrome. Also called: Neoplastic Syndromes, Hereditary; Hereditary Cancer Syndrome; Tumor predisposition; Hereditary neoplastic syndrome. Identifiers: Orphanet 140162, MedGen C0027672, MeSH D009386, MONDO:0015356.

Submissions (3):

Ambry Genetics
Classification: Uncertain significance for Hereditary cancer-predisposing syndrome. Last evaluated: 2025-02-14. Review status: criteria provided, single submitter. Criteria: Ambry Variant Classification Scheme 2023. Collection method: clinical testing. Allele origin: germline.
Comment: The p.L773F variant (also known as c.2319A>C), located in coding exon 20 of the TSC2 gene, results from an A to C substitution at nucleotide position 2319. The leucine at codon 773 is replaced by phenylalanine, an amino acid with highly similar properties. This amino acid position is well conserved in available vertebrate species. In addition, this alteration is predicted to be deleterious by in silico analysis. Based on the available evidence, the clinical significance of this variant remains unclear.

GeneDx
Classification: Uncertain significance. Last evaluated: 2025-01-29. Review status: criteria provided, single submitter. Criteria: GeneDx Variant Classification Process June 2021. Collection method: clinical testing. Allele origin: germline. Affected: yes.
Comment: Not observed at significant frequency in large population cohorts (gnomAD); In silico analysis supports that this missense variant has a deleterious effect on protein structure/function; Has not been previously published as pathogenic or benign to our knowledge

Labcorp Genetics (formerly Invitae), Labcorp
Classification: Uncertain significance for Tuberous sclerosis 2. Last evaluated: 2018-04-11. Review status: criteria provided, single submitter. Criteria: Invitae Variant Classification Sherloc (09022015). Collection method: clinical testing. Allele origin: germline.
Comment: In summary, the available evidence is currently insufficient to determine the role of this variant in disease. Therefore, it has been classified as a Variant of Uncertain Significance. Algorithms developed to predict the effect of missense changes on protein structure and function do not agree on the potential impact of this missense change (SIFT: "Deleterious"; PolyPhen-2: "Possibly Damaging"; Align-GVGD: "Class C0"). This sequence change replaces leucine with phenylalanine at codon 773 of the TSC2 protein (p.Leu773Phe). The leucine residue is moderately conserved and there is a small physicochemical difference between leucine and phenylalanine. This variant is not present in population databases (ExAC no frequency). This variant has not been reported in the literature in individuals with TSC2-related disease.

NM_000548.5(TSC2):c.2319A>C (p.Leu773Phe)

Gene: TSC2 (TSC complex subunit 2; plus strand). Cytogenetic location: 16p13.3.
Variant type: single nucleotide variant.
Coding change: c.2319A>C on transcript NM_000548.5 (MANE Select); coding-DNA position 2319, A replaced by C.
Protein change: p.Leu773Phe; replaces leucine 773 with phenylalanine.
Molecular consequence: missense variant.
Genome position (GRCh38, 1-based): chr16:2,072,947, A>C. VCF-style: chr16-2072947-A-C. GRCh37 (hg19) VCF-style: chr16-2122948-A-C.
Other names: c.2319A>C, p.Leu773Phe (NM_001077183.3, NM_001114382.3, NM_001363528.2 and 3 more transcripts); c.2208A>C, p.Leu736Phe (NM_001318827.2); c.2172A>C, p.Leu724Phe (NM_001318829.2); c.1719A>C, p.Leu573Phe (NM_001318831.2); c.2352A>C, p.Leu784Phe (NM_001318832.2); short protein forms L773F, L724F, L736F, L784F, L573F.
Identifiers: ClinVar variation 582709 (VCV000582709.10), dbSNP rs1359991984, ClinGen allele CA394276637.